The following is an entry in ClinVar:

NM_005221.6(DLX5):c.158del (p.Gly53fs)

Gene: DLX5 (distal-less homeobox 5; minus strand). Cytogenetic location: 7q21.3.
Variant type: Deletion.
Coding change: c.158del on transcript NM_005221.6 (MANE Select); coding-DNA position 158, one base deleted (G; older notation c.158delG).
Protein change: p.Gly53fs; shifts the reading frame from glycine 53.
Molecular consequence: frameshift variant.
Genome position (GRCh38, 1-based): chr7:97,024,466, C deleted on the plus strand (G on the coding strand, the reverse complement: DLX5 is on the minus strand); the first of 6 consecutive C bases (chr7:97,024,466-97,024,471); deleting any one gives the same sequence. VCF-style (leftmost placement, unchanged base first): chr7-97024465-TC-T. GRCh37 (hg19) VCF-style: chr7-96653777-TC-T.
Other names: short protein forms G53fs.
Identifiers: ClinVar variation 3253462 (VCV003253462.1), dbSNP rs2485526882.

ClinVar aggregate classification (germline): Uncertain significance (1 of 4 stars; one submission).

Submission:

GeneDx
Classification: Uncertain significance. Last evaluated: 2023-08-11. Review status: criteria provided, single submitter. Criteria: GeneDx Variant Classification Process June 2021. Collection method: clinical testing. Allele origin: germline. Affected: yes.
Comment: Not observed at significant frequency in large population cohorts (gnomAD); Has not been previously published as pathogenic or benign to our knowledge; Frameshift variant predicted to result in protein truncation or nonsense mediated decay in a gene for which loss of function is not a known mechanism of disease